The following is an entry in ClinVar:

ClinVar aggregate classification (germline): Uncertain significance (1 of 4 stars; one submission).

Submission:

Labcorp Genetics (formerly Invitae), Labcorp
Classification: Uncertain significance. Last evaluated: 2025-08-18. Review status: criteria provided, single submitter. Criteria: Invitae Variant Classification Sherloc (09022015). Collection method: clinical testing. Allele origin: germline.
Comment: This sequence change replaces aspartic acid, which is acidic and polar, with glutamic acid, which is acidic and polar, at codon 527 of the GUF1 protein (p.Asp527Glu). This variant is present in population databases (rs201654970, gnomAD 0.1%), and has an allele count higher than expected for a pathogenic variant. This variant has not been reported in the literature in individuals affected with GUF1-related conditions. ClinVar contains an entry for this variant (Variation ID: 3702565). Invitae Evidence Modeling of protein sequence and biophysical properties (such as structural, functional, and spatial information, amino acid conservation, physicochemical variation, residue mobility, and thermodynamic stability) indicates that this missense variant is not expected to disrupt GUF1 protein function with a negative predictive value of 80%. In summary, the available evidence is currently insufficient to determine the role of this variant in disease. Therefore, it has been classified as a Variant of Uncertain Significance.

NM_021927.3(GUF1):c.1581C>G (p.Asp527Glu)

Gene: GUF1 (GTP binding elongation factor GUF1; plus strand). Cytogenetic location: 4p12.
Variant type: single nucleotide variant.
Coding change: c.1581C>G on transcript NM_021927.3 (MANE Select); coding-DNA position 1581, C replaced by G.
Protein change: p.Asp527Glu; replaces aspartic acid 527 with glutamic acid.
Molecular consequence: missense variant.
Genome position (GRCh38, 1-based): chr4:44,691,767, C>G. VCF-style: chr4-44691767-C-G. GRCh37 (hg19) VCF-style: chr4-44693784-C-G.
Other names: c.609C>G, p.Asp203Glu (NM_001345867.2, NM_001345869.2); c.1581C>G, p.Asp527Glu (NM_001345868.2); short protein forms D203E, D527E.
Identifiers: ClinVar variation 3702565 (VCV003702565.2).